The following is an entry in ClinVar:

NM_001244008.2(KIF1A):c.1265G>A (p.Arg422His)

Gene: KIF1A (kinesin family member 1A; minus strand). Cytogenetic location: 2q37.3.
Variant type: single nucleotide variant.
Coding change: c.1265G>A on transcript NM_001244008.2 (MANE Select); coding-DNA position 1265, G replaced by A.
Protein change: p.Arg422His; replaces arginine 422 with histidine.
Molecular consequence: missense variant.
Genome position (GRCh38, 1-based): chr2:240,771,047, C>T on the plus strand (G>A on the coding strand, the complement: KIF1A is on the minus strand). VCF-style: chr2-240771047-C-T. GRCh37 (hg19) VCF-style: chr2-241710464-C-T.
Other names: c.1265G>A, p.Arg422His (NM_001320705.2, NM_001330289.2, NM_001379638.1); c.1340G>A, p.Arg447His (NM_001330290.2, NM_001379631.1, NM_001379634.1 and 2 more transcripts); c.1238G>A, p.Arg413His (NM_001379632.1, NM_001379633.1, NM_001379636.1 and 10 more transcripts); c.1313G>A, p.Arg438His (NM_001379637.1, NM_001379648.1); short protein forms R447H, R413H, R422H, R438H.
Identifiers: ClinVar variation 657430 (VCV000657430.11), dbSNP rs771678168, ClinGen allele CA2208466.

ClinVar aggregate classification (germline): Conflicting classifications of pathogenicity. Review status: criteria provided, conflicting classifications (1 of 4 stars). 2 submissions from 2 submitters: Uncertain significance (1); Likely benign (1). Last evaluated 2023-08-28.

Conditions:
Neuropathy, hereditary sensory, type 2C. Also called: KIF1A-Related HSAN2 (HSAN2C); Hereditary sensory and autonomic neuropathy type IIC. Identifiers: Orphanet 970, MedGen C3280168, MONDO:0013634, OMIM 614213.
Intellectual disability, autosomal dominant 9 (NESCAVS). Also called: NESCAV SYNDROME; KIF1A-Related Neurodevelopmental Disorder. Identifiers: Orphanet 662367, MedGen C5393830, MONDO:0013656, OMIM 614255.
Hereditary spastic paraplegia 30. Identifiers: Orphanet 101010, MedGen C5235139, MONDO:0012476.
Inborn genetic diseases. Identifiers: MedGen C0950123, MeSH D030342.

Allele frequency attached by ClinVar (database versions not stated): TOPMed below 0.00001; ExAC 0.00001; gnomAD exomes 0.00001; gnomAD 0.00002.
gnomAD v4.1: 16 of 1,613,200 alleles (0.00099%); highest among the groups gnomAD compares: African/African-American, 0.0027%; no homozygotes.

Submissions (2):

Labcorp Genetics (formerly Invitae), Labcorp
Classification: Likely benign for Hereditary spastic paraplegia 30; Neuropathy, hereditary sensory, type 2C; Intellectual disability, autosomal dominant 9. Last evaluated: 2023-08-28. Review status: criteria provided, single submitter. Criteria: Invitae Variant Classification Sherloc (09022015). Collection method: clinical testing. Allele origin: germline.

Ambry Genetics
Classification: Uncertain significance for Inborn genetic diseases. Last evaluated: 2023-05-31. Review status: criteria provided, single submitter. Criteria: Ambry Variant Classification Scheme 2023. Collection method: clinical testing. Allele origin: germline.
Comment: Based on insufficient or conflicting evidence, the clinical significance of this alteration remains unclear.

Literature cited by the submitters: PubMed 28106320 (cited by Ambry Genetics).